The following is an entry in ClinVar:

ClinVar aggregate classification (germline): Uncertain significance (1 of 4 stars; one submission).

Conditions:
Ehlers-Danlos syndrome, type 4 (EDSVASC). Also called: Ehlers-Danlos Syndrome Type IV; Ehlers-Danlos syndrome vascular type; Ehlers Danlos syndrome, ecchymotic type; Ehlers Danlos syndrome, arterial type; Ehlers Danlos syndrome, Sack-Barabas type. Identifiers: Orphanet 286, MedGen C0268338, MONDO:0017314, OMIM 130050.

Allele frequency attached by ClinVar (database versions not stated): gnomAD exomes 0.00001.

Submission:

All of Us Research Program, National Institutes of Health
Classification: Uncertain significance for Ehlers-Danlos syndrome, type 4. Last evaluated: 2023-06-26. Review status: criteria provided, single submitter. Criteria: ACMG Guidelines, 2015. Collection method: clinical testing. Allele origin: germline. Inheritance: Autosomal dominant inheritance. Observed: 1 variant allele, 1 heterozygote.
Comment: This missense variant replaces alanine with valine at codon 1204 of the COL3A1 protein. Computational prediction suggests that this variant may not impact protein structure and function (internally defined REVEL score threshold <= 0.5, PMID: 27666373). To our knowledge, functional studies have not been reported for this variant. This variant has not been reported in individuals affected with COL3A1-related disorders in the literature. This variant has not been identified in the general population by the Genome Aggregation Database (gnomAD). The available evidence is insufficient to determine the role of this variant in disease conclusively. Therefore, this variant is classified as a Variant of Uncertain Significance.

This study involves interpretation of variants in research participants for the purpose of population health screening. Participant phenotype was not available at the time of variant classification. Additional details can be found in publication PMID: 35346344, PMCID: PMC8962531

NM_000090.4(COL3A1):c.3611C>T (p.Ala1204Val)

Gene: COL3A1 (collagen type III alpha 1 chain; plus strand). Cytogenetic location: 2q32.2.
Variant type: single nucleotide variant.
Coding change: c.3611C>T on transcript NM_000090.4 (MANE Select); coding-DNA position 3611, C replaced by T.
Protein change: p.Ala1204Val; replaces alanine 1204 with valine.
Molecular consequence: missense variant.
Genome position (GRCh38, 1-based): chr2:189,009,009, C>T. VCF-style: chr2-189009009-C-T. GRCh37 (hg19) VCF-style: chr2-189873735-C-T.
Other names: short protein forms A1204V.
Identifiers: ClinVar variation 3071905 (VCV003071905.1), dbSNP rs2469166021, ClinGen allele CA349846736.